The following is an entry in ClinVar:

NM_144997.7(FLCN):c.323_324delinsTT (p.Ser108Ile)

Gene: FLCN (folliculin; minus strand). Cytogenetic location: 17p11.2.
Variant type: Indel.
Coding change: c.323_324delinsTT on transcript NM_144997.7 (MANE Select); coding-DNA positions 323 to 324, GC replaced by TT.
Protein change: p.Ser108Ile; replaces serine 108 with isoleucine.
Molecular consequence: missense variant.
Genome position (GRCh38, 1-based): chr17:17,226,248-17,226,249, GC replaced by AA on the plus strand (GC replaced by TT on the coding strand, the reverse complement: FLCN is on the minus strand). VCF-style: chr17-17226248-GC-AA. GRCh37 (hg19) VCF-style: chr17-17129562-GC-AA.
Other names: c.323_324delinsTT, p.Ser108Ile (NM_001353229.2, NM_001353230.2, NM_001353231.2 and 1 more transcripts); short protein forms S108I.
Identifiers: ClinVar variation 1320785 (VCV001320785.7), dbSNP rs2145011954, ClinGen allele CA2573054334.

ClinVar aggregate classification (germline): Uncertain significance. Review status: criteria provided, multiple submitters, no conflicts (2 of 4 stars). 2 submissions from 2 submitters: Uncertain significance (2). Last evaluated 2022-08-27.

Conditions:
Birt-Hogg-Dube syndrome. Also called: Birt Hogg Dubé syndrome. Identifiers: Orphanet 122, MedGen C0346010, MONDO:0800444.

Submissions (2):

Labcorp Genetics (formerly Invitae), Labcorp
Classification: Uncertain significance for Birt-Hogg-Dube syndrome. Last evaluated: 2022-08-27. Review status: criteria provided, single submitter. Criteria: Invitae Variant Classification Sherloc (09022015). Collection method: clinical testing. Allele origin: germline.
Comment: In summary, the available evidence is currently insufficient to determine the role of this variant in disease. Therefore, it has been classified as a Variant of Uncertain Significance. Algorithms developed to predict the effect of missense changes on protein structure and function are either unavailable or do not agree on the potential impact of this missense change (SIFT: "Not Available"; PolyPhen-2: "Probably Damaging"; Align-GVGD: "Not Available"). ClinVar contains an entry for this variant (Variation ID: 1320785). This missense change has been observed in individual(s) with Birt-Hogg-Dubé syndrome (PMID: 19785621, 25519458). Information on the frequency of this variant in the gnomAD database is not available, as this variant may be reported differently in the database. This sequence change replaces serine, which is neutral and polar, with isoleucine, which is neutral and non-polar, at codon 108 of the FLCN protein (p.Ser108Ile).

GeneDx
Classification: Uncertain significance. Last evaluated: 2021-04-12. Review status: criteria provided, single submitter. Criteria: GeneDx Variant Classification Process June 2021. Collection method: clinical testing. Allele origin: germline. Affected: yes.
Comment: Not observed in large population cohorts (Lek et al., 2016); In silico analysis supports a deleterious effect on protein structure/function; Has not been previously published as pathogenic or benign to our knowledge; An alternative variant resulting in the same protein change (c.323G>T) has been reported in an individual with Birt-Hogg-Dub syndrome in published literature (Kluger 2010); This variant is associated with the following publications: (PMID: 19785621, 21937013, 29357828, 25519458)

Literature cited by the submitters: PubMed 19785621 (cited by Labcorp Genetics (formerly Invitae), Labcorp); PubMed 25519458 (cited by Labcorp Genetics (formerly Invitae), Labcorp).